The following is an entry in ClinVar:

NM_000492.4(CFTR):c.454A>T (p.Met152Leu)

Gene: CFTR (CF transmembrane conductance regulator; plus strand). Cytogenetic location: 7q31.2.
Variant type: single nucleotide variant.
Coding change: c.454A>T on transcript NM_000492.4 (MANE Select); coding-DNA position 454, A replaced by T.
Protein change: p.Met152Leu; replaces methionine 152 with leucine.
Molecular consequence: missense variant.
Genome position (GRCh38, 1-based): chr7:117,531,079, A>T. VCF-style: chr7-117531079-A-T. GRCh37 (hg19) VCF-style: chr7-117171133-A-T.
Other names: short protein forms M152L.
Identifiers: ClinVar variation 439479 (VCV000439479.22), dbSNP rs397508721, ClinGen allele CA4450724.

ClinVar aggregate classification (germline): Uncertain significance. Review status: criteria provided, multiple submitters, no conflicts (2 of 4 stars). 6 submissions from 6 submitters: Uncertain significance (5). 1 of the submissions does not count toward it. Last evaluated 2026-04-13.

Conditions:
Cystic fibrosis (CF). Also called: MUCOVISCIDOSIS. Identifiers: Orphanet 586, MedGen C0010674, MONDO:0009061, OMIM 219700. Disease mechanism: loss of function.
CFTR-related disorder (CFTR-RD). Also called: CFTR-related condition; CFTR-related disorders. Identifiers: MedGen C5924204, MONDO:7770004.

Allele frequency attached by ClinVar (database versions not stated): gnomAD exomes 0.00001 and 0.00004; ExAC 0.00002; TOPMed 0.00002; gnomAD 0.00003 and 0.00004.

Submissions (6):

Women's Health and Genetics/Laboratory Corporation of America, LabCorp
Classification: Uncertain significance. Last evaluated: 2026-04-13. Review status: criteria provided, single submitter. Criteria: LabCorp Variant Classification Summary - May 2015. Collection method: clinical testing. Allele origin: germline.
Comment: Variant summary: CFTR c.454A>T (p.Met152Leu) results in a conservative amino acid change in the encoded protein sequence. Algorithms developed to predict the effect of missense changes on protein structure and function are either unavailable or do not agree on the potential impact of this missense change. Consensus agreement among computation tools predict no significant impact on normal splicing. However, these predictions have yet to be confirmed by functional studies. The variant allele was found at a frequency of 1.2e-05 in 250304 control chromosomes. c.454A>T has been observed in at least one individual affected with CFTR or CFTR-Related Disease, however without strong evidence for causality (e.g., El-Seedy_2016, Saferali_2022). These reports do not provide unequivocal conclusions about association of the variant with CFTR-Related Diseases. At least one publication reports experimental evidence evaluating an impact on protein function. The most pronounced variant effect resulted in approximately 31% of normal chloride channel conductance relative to wild type (e.g., Bihler_2024). The following publications have been ascertained in the context of this evaluation (PMID: 38388235, 28040058, 34996830). ClinVar contains an entry for this variant (Variation ID: 439479). Based on the evidence outlined above, the variant was classified as VUS-possibly pathogenic.

Labcorp Genetics (formerly Invitae), Labcorp
Classification: Uncertain significance for Cystic fibrosis. Last evaluated: 2025-11-16. Review status: criteria provided, single submitter. Criteria: Invitae Variant Classification Sherloc (09022015). Collection method: clinical testing. Allele origin: germline.
Comment: This sequence change replaces methionine, which is neutral and non-polar, with leucine, which is neutral and non-polar, at codon 152 of the CFTR protein (p.Met152Leu). This variant is present in population databases (rs397508721, gnomAD 0.004%). This missense change has been observed in individual(s) with cystic fibrosis (PMID: 28040058). ClinVar contains an entry for this variant (Variation ID: 439479). Invitae Evidence Modeling of protein sequence and biophysical properties (such as structural, functional, and spatial information, amino acid conservation, physicochemical variation, residue mobility, and thermodynamic stability) indicates that this missense variant is not expected to disrupt CFTR protein function with a negative predictive value of 80%. In summary, the available evidence is currently insufficient to determine the role of this variant in disease. Therefore, it has been classified as a Variant of Uncertain Significance.

ARUP Laboratories, Molecular Genetics and Genomics, ARUP Laboratories
Classification: Uncertain significance. Last evaluated: 2025-04-02. Review status: criteria provided, single submitter. Criteria: ARUP Molecular Germline Variant Investigation Process 2024. Collection method: clinical testing. Allele origin: germline.
Comment: The CFTR c.454A>T; p.Met152Leu variant (rs397508721, ClinVar Variation ID: 439479) is reported heyerozygous in the literature in an individual affected with cystic fibrosis but without evidence for pathogenicity (El-Seedy 2016). This variant is found in the general population with an overall allele frequency of 0.001% (4/281,712 alleles) in the Genome Aggregation Database (v2.1.1). Additionally, another variant at this codon (c.454A>G; p.Met152Val) has been reported in individuals with cystic fibrosis and is considered pathogenic (Claustres 200, Raynal 2013, Trujillano 2015). Computational analyses are uncertain whether this variant is neutral or deleterious (REVEL: 0.522). Due to limited information, the clinical significance of the p.Met152Leu variant is uncertain at this time. References: Claustres M et al. Spectrum of CFTR mutations in cystic fibrosis and in congenital absence of the vas deferens in France. Hum Mutat. 2000;16(2):143-56. PMID: 10923036. El-Seedy A et al. Cystic Fibrosis Transmembrane Conductance Regulator (CFTR) gene mutations in North Egyptian population: implications for the genetic diagnosis in Egypt. Cell Mol Biol (Noisy-le-grand). 2016 Nov 30;62(13):21-28. PMID: 28040058. Raynal C et al. A classification model relative to splicing for variants of unknown clinical significance: application to the CFTR gene. Hum Mutat. 2013 May;34(5):774-84. PMID: 23381846. Trujillano D et al. Validation of a semiconductor next-generation sequencing assay for the clinical genetic screening of CFTR. Mol Genet Genomic Med. 2015 Sep;3(5):396-403. PMID: 26436105.

Ambry Genetics
Classification: Uncertain significance for Cystic fibrosis. Last evaluated: 2024-05-09. Review status: criteria provided, single submitter. Criteria: Ambry Variant Classification Scheme 2023. Collection method: clinical testing. Allele origin: germline.
Comment: The p.M152L variant (also known as c.454A>T), located in coding exon 4 of the CFTR gene, results from an A to T substitution at nucleotide position 454. The methionine at codon 152 is replaced by leucine, an amino acid with highly similar properties. This variant was reported in an individual referred for evaluation for cystic fibrosis in conjunction with a 5T allele; however, specific clinical information and phase of the variants was not provided (El-Seedy A et al. Cell. Mol. Biol. (Noisy-le-grand), 2016 Nov;62:21-28). This amino acid position is not well conserved in available vertebrate species. In addition, this alteration is predicted to be deleterious by in silico analysis. Based on the available evidence, the clinical significance of this variant remains unclear.

Blueprint Genetics
Classification: Uncertain significance. Last evaluated: 2021-08-05. Review status: criteria provided, single submitter. Criteria: ACMG Guidelines, 2015. Collection method: clinical testing. Allele origin: germline.

Natera, Inc.
Classification: Uncertain significance for CFTR-related disorders. Last evaluated: 2018-09-20. Review status: no assertion criteria provided. Collection method: clinical testing. Allele origin: germline. Not counted in ClinVar's aggregate classification.

Literature cited by the submitters: PubMed 28040058 (cited by 3 submitters); PubMed 34996830 (cited by Women's Health and Genetics/Laboratory Corporation of America, LabCorp); PubMed 38388235 (cited by Women's Health and Genetics/Laboratory Corporation of America, LabCorp).